The following is an entry in ClinVar:

NM_002439.5(MSH3):c.1873C>T (p.Leu625Phe)

Gene: MSH3 (mutS homolog 3; plus strand). Cytogenetic location: 5q14.1.
Variant type: single nucleotide variant.
Coding change: c.1873C>T on transcript NM_002439.5 (MANE Select); coding-DNA position 1873, C replaced by T.
Protein change: p.Leu625Phe; replaces leucine 625 with phenylalanine.
Molecular consequence: missense variant.
Genome position (GRCh38, 1-based): chr5:80,761,655, C>T. VCF-style: chr5-80761655-C-T. GRCh37 (hg19) VCF-style: chr5-80057474-C-T.
Other names: short protein forms L625F.
Identifiers: ClinVar variation 4111103 (VCV004111103.1).

ClinVar aggregate classification (germline): Uncertain significance (1 of 4 stars; one submission).

Conditions:
Hereditary cancer-predisposing syndrome. Also called: Tumor predisposition; Neoplastic Syndromes, Hereditary; Hereditary neoplastic syndrome; Hereditary Cancer Syndrome. Identifiers: Orphanet 140162, MedGen C0027672, MeSH D009386, MONDO:0015356.

Submission:

Ambry Genetics
Classification: Uncertain significance for Hereditary cancer-predisposing syndrome. Last evaluated: 2025-08-02. Review status: criteria provided, single submitter. Criteria: Ambry Variant Classification Scheme 2023. Collection method: clinical testing. Allele origin: germline.
Comment: The p.L625F variant (also known as c.1873C>T), located in coding exon 13 of the MSH3 gene, results from a C to T substitution at nucleotide position 1873. The leucine at codon 625 is replaced by phenylalanine, an amino acid with highly similar properties. This amino acid position is conserved. In addition, the in silico prediction for this alteration is inconclusive. Based on the available evidence, the clinical significance of this variant remains unclear.